The following is an entry in ClinVar:

ClinVar aggregate classification (germline): Likely pathogenic (1 of 4 stars; one submission).

Conditions:
Type 2 diabetes mellitus. Also called: Type II diabetes mellitus. Identifiers: MedGen C0011860, MeSH D003924, MONDO:0005148, OMIM 125853, HP:0005978.

Submission:

Institute of Human Genetics, University of Leipzig Medical Center
Classification: Likely pathogenic for Type 2 diabetes mellitus. Last evaluated: 2025-05-05. Review status: criteria provided, single submitter. Criteria: ACMG Guidelines, 2015. Collection method: clinical testing. Allele origin: unknown. Inheritance: Autosomal dominant inheritance. Affected: yes.
Comment: Criteria applied: PM1,PM2,PM5_SUP,PP3

NM_138711.6(PPARG):c.380A>C (p.Glu127Ala)

Gene: PPARG (peroxisome proliferator activated receptor gamma; plus strand). Cytogenetic location: 3p25.2.
Variant type: single nucleotide variant.
Coding change: c.380A>C on transcript NM_138711.6 (MANE Select); coding-DNA position 380, A replaced by C.
Protein change: p.Glu127Ala; replaces glutamic acid 127 with alanine.
Molecular consequence: missense variant. On other transcripts: 5 prime UTR variant (1).
Genome position (GRCh38, 1-based): chr3:12,381,481, A>C. VCF-style: chr3-12381481-A-C. GRCh37 (hg19) VCF-style: chr3-12422980-A-C.
Other names: c.380A>C, p.Glu127Ala (NM_001330615.4, NM_001354666.3, NM_001354667.3 and 6 more transcripts); c.470A>C, p.Glu157Ala (NM_001354668.2, NM_001374265.1, NM_015869.5); c.-48A>C (NM_001354669.2); c.386A>C, p.Glu129Ala (NM_001354670.2, NM_001374266.1); short protein forms E127A, E129A, E157A.
Identifiers: ClinVar variation 3901178 (VCV003901178.1).